The following is an entry in ClinVar:

NM_015338.6(ASXL1):c.2411G>T (p.Gly804Val)

Gene: ASXL1 (ASXL transcriptional regulator 1; plus strand). Cytogenetic location: 20q11.21.
Variant type: single nucleotide variant.
Coding change: c.2411G>T on transcript NM_015338.6 (MANE Select); coding-DNA position 2411, G replaced by T.
Protein change: p.Gly804Val; replaces glycine 804 with valine.
Molecular consequence: missense variant.
Genome position (GRCh38, 1-based): chr20:32,435,123, G>T. VCF-style: chr20-32435123-G-T. GRCh37 (hg19) VCF-style: chr20-31022926-G-T.
Other names: c.2228G>T, p.Gly743Val (NM_001363734.1); short protein forms G743V, G804V.
Identifiers: ClinVar variation 3667213 (VCV003667213.2).
Genomic context (GRCh38, chr20:32,435,123, plus strand): 5'-ATGTTAGAACTGAATGTGAGTCTGGCACCACTTCCTGGGAAAGTGATGATGAGGAGCAAG[G>T]ACCCACCGTTCCTGCAGACAATGGTCCCATTCCGTCTCTAGTGGGAGATGATACATTAGA-3'
Protein context (NP_056153.2, residues 794-814): TSWESDDEEQ[Gly804Val]PTVPADNGPI

ClinVar aggregate classification (germline): Uncertain significance (1 of 4 stars; one submission).

Submission:

Labcorp Genetics (formerly Invitae), Labcorp
Classification: Uncertain significance. Last evaluated: 2024-11-06. Review status: criteria provided, single submitter. Criteria: Invitae Variant Classification Sherloc (09022015). Collection method: clinical testing. Allele origin: germline.
Comment: This sequence change replaces glycine, which is neutral and non-polar, with valine, which is neutral and non-polar, at codon 804 of the ASXL1 protein (p.Gly804Val). This variant is not present in population databases (gnomAD no frequency). This variant has not been reported in the literature in individuals affected with ASXL1-related conditions. An algorithm developed to predict the effect of missense changes on protein structure and function (PolyPhen-2) suggests that this variant is likely to be disruptive. In summary, the available evidence is currently insufficient to determine the role of this variant in disease. Therefore, it has been classified as a Variant of Uncertain Significance.